The following is an entry in ClinVar:

ClinVar aggregate classification (germline): Likely pathogenic (1 of 4 stars; one submission).

Conditions:
Hereditary spastic paraplegia 48. Also called: SPASTIC PARAPLEGIA 48, AUTOSOMAL RECESSIVE; Spastic paraplegia 48. Identifiers: Orphanet 306511, MedGen C3150901, MONDO:0013342, OMIM 613647.

Allele frequency attached by ClinVar (database versions not stated): gnomAD exomes below 0.00001.
gnomAD v4.1: 1 of 1,613,134 alleles (0.000062%); highest among the groups gnomAD compares: Non-Finnish European, 0.000085%; no homozygotes.

Submission:

Baylor Genetics
Classification: Likely pathogenic for Hereditary spastic paraplegia 48. Last evaluated: 2020-06-03. Review status: criteria provided, single submitter. Criteria: ACMG Guidelines, 2015. Collection method: clinical testing. Allele origin: unknown. Affected: yes.
Comment: This variant was determined to be likely pathogenic according to ACMG Guidelines, 2015 [PMID:25741868].

NM_014855.3(AP5Z1):c.179+1G>T

Gene: AP5Z1 (adaptor related protein complex 5 subunit zeta 1; plus strand). Cytogenetic location: 7p22.1.
Variant type: single nucleotide variant.
Coding change: c.179+1G>T on transcript NM_014855.3 (MANE Select); the canonical splice donor site of the intron after coding-DNA position 179, G replaced by T.
Molecular consequence: splice donor variant.
Genome position (GRCh38, 1-based): chr7:4,781,313, G>T. VCF-style: chr7-4781313-G-T. GRCh37 (hg19) VCF-style: chr7-4820944-G-T.
Other names: c.-103+1G>T (NM_001364858.1).
Identifiers: ClinVar variation 1030377 (VCV001030377.1), dbSNP rs1186699852, ClinGen allele CA366673976.